The following is an entry in ClinVar:

NM_005751.5(AKAP9):c.11611G>A (p.Asp3871Asn)

Gene: AKAP9 (A-kinase anchoring protein 9; plus strand). Cytogenetic location: 7q21.2.
Variant type: single nucleotide variant.
Coding change: c.11611G>A on transcript NM_005751.5 (MANE Select); coding-DNA position 11611, G replaced by A.
Protein change: p.Asp3871Asn; replaces aspartic acid 3871 with asparagine.
Molecular consequence: missense variant.
Genome position (GRCh38, 1-based): chr7:92,108,558, G>A. VCF-style: chr7-92108558-G-A. GRCh37 (hg19) VCF-style: chr7-91737872-G-A.
Other names: c.6256G>A, p.Asp2086Asn (NM_001379277.1); c.11587G>A, p.Asp3863Asn (NM_147185.3); short protein forms D2086N, D3863N, D3871N.
Identifiers: ClinVar variation 2146938 (VCV002146938.5), dbSNP rs376870775, ClinGen allele CA4338238.

ClinVar aggregate classification (germline): Conflicting classifications of pathogenicity. Review status: criteria provided, conflicting classifications (1 of 4 stars). 2 submissions from 2 submitters: Uncertain significance (1); Benign (1). Last evaluated 2025-10-19.

Conditions:
Long QT syndrome (LQTS). Identifiers: MedGen C0023976, MeSH D008133, MONDO:0002442. Disease mechanism: loss of function. Inheritance: Various modes of inheritance.
Cardiovascular phenotype. Identifiers: MedGen CN230736.

Allele frequency attached by ClinVar (database versions not stated): ExAC 0.00003.
gnomAD v4.1: 28 of 1,613,916 alleles (0.0017%); highest among the groups gnomAD compares: Admixed American, 0.02%; no homozygotes.

Submissions (2):

Labcorp Genetics (formerly Invitae), Labcorp
Classification: Uncertain significance for Long QT syndrome. Last evaluated: 2025-10-19. Review status: criteria provided, single submitter. Criteria: Invitae Variant Classification Sherloc (09022015). Collection method: clinical testing. Allele origin: germline.
Comment: This sequence change replaces aspartic acid, which is acidic and polar, with asparagine, which is neutral and polar, at codon 3871 of the AKAP9 protein (p.Asp3871Asn). This variant is present in population databases (rs376870775, gnomAD 0.02%). This variant has not been reported in the literature in individuals affected with AKAP9-related conditions. ClinVar contains an entry for this variant (Variation ID: 2146938). An algorithm developed to predict the effect of missense changes on protein structure and function outputs the following: PolyPhen-2: "Probably Damaging". The asparagine amino acid residue is found in multiple mammalian species, which suggests that this missense change does not adversely affect protein function. In summary, the available evidence is currently insufficient to determine the role of this variant in disease. Therefore, it has been classified as a Variant of Uncertain Significance.

Ambry Genetics
Classification: Benign for Cardiovascular phenotype. Last evaluated: 2025-04-02. Review status: criteria provided, single submitter. Criteria: Ambry Variant Classification Scheme 2023. Collection method: clinical testing. Allele origin: germline.